The following is an entry in ClinVar:

NM_000203.5(IDUA):c.159-1G>A

Genes: IDUA (alpha-L-iduronidase; plus strand), SLC26A1 (solute carrier family 26 member 1; minus strand). Cytogenetic location: 4p16.3.
Variant type: single nucleotide variant.
Coding change: c.159-1G>A on transcript NM_000203.5 (MANE Select); the canonical splice acceptor site of the intron before coding-DNA position 159, G replaced by A.
Molecular consequence: splice acceptor variant. On other transcripts: 3 prime UTR variant (2), intron variant (1).
Genome position (GRCh38, 1-based): chr4:987,808, G>A. VCF-style: chr4-987808-G-A. GRCh37 (hg19) VCF-style: chr4-981596-G-A.
Other names: c.*1025C>T (NM_022042.4, NM_213613.4); c.576+3320C>T (NM_134425.4).
Identifiers: ClinVar variation 556690 (VCV000556690.5), dbSNP rs1553914935, ClinGen allele CA355945958.

ClinVar aggregate classification (germline): Likely pathogenic. Review status: criteria provided, single submitter (1 of 4 stars). 2 submissions from 2 submitters: Likely pathogenic (1). 1 of the submissions does not count toward it. Last evaluated 2023-07-03.

Conditions:
Mucopolysaccharidosis type 1. Also called: Mucopolysaccharidosis Type I; IDUA deficiency; MPS I. Identifiers: Orphanet 579, MedGen C0023786, MONDO:0001586.
Hurler syndrome. Also called: Gargoylism, Hurler Syndrome; MUCOPOLYSACCHARIDOSIS TYPE IH; Severe MPS I (Hurler Syndrome). Identifiers: Orphanet 93473, MedGen C0086795, MONDO:0011758, OMIM 607014.

Submissions (2):

Labcorp Genetics (formerly Invitae), Labcorp
Classification: Likely pathogenic for Mucopolysaccharidosis type 1. Last evaluated: 2023-07-03. Review status: criteria provided, single submitter. Criteria: Invitae Variant Classification Sherloc (09022015). Collection method: clinical testing. Allele origin: germline.
Comment: This variant has not been reported in the literature in individuals affected with IDUA-related conditions. This variant is not present in population databases (gnomAD no frequency). This sequence change affects an acceptor splice site in intron 1 of the IDUA gene. It is expected to disrupt RNA splicing. Variants that disrupt the donor or acceptor splice site typically lead to a loss of protein function (PMID: 16199547), and loss-of-function variants in IDUA are known to be pathogenic (PMID: 11735025, 21480867). ClinVar contains an entry for this variant (Variation ID: 556690). In summary, the currently available evidence indicates that the variant is pathogenic, but additional data are needed to prove that conclusively. Therefore, this variant has been classified as Likely Pathogenic. Algorithms developed to predict the effect of sequence changes on RNA splicing suggest that this variant may disrupt the consensus splice site.

Counsyl
Classification: Likely pathogenic for Hurler syndrome. Last evaluated: 2018-02-13. Review status: no assertion criteria provided. Collection method: clinical testing. Allele origin: unknown. Not counted in ClinVar's aggregate classification.

Literature cited by the submitters: PubMed 16199547 (cited by Labcorp Genetics (formerly Invitae), Labcorp); PubMed 11735025 (cited by Labcorp Genetics (formerly Invitae), Labcorp); PubMed 21480867 (cited by Labcorp Genetics (formerly Invitae), Labcorp).